The following is an entry in ClinVar:

ClinVar aggregate classification (germline): Uncertain significance (1 of 4 stars; one submission).

Conditions:
Hereditary cancer-predisposing syndrome. Also called: Tumor predisposition; Hereditary Cancer Syndrome; Hereditary neoplastic syndrome; Neoplastic Syndromes, Hereditary. Identifiers: Orphanet 140162, MedGen C0027672, MeSH D009386, MONDO:0015356.

Submission:

Ambry Genetics
Classification: Uncertain significance for Hereditary cancer-predisposing syndrome. Last evaluated: 2024-04-19. Review status: criteria provided, single submitter. Criteria: Ambry Variant Classification Scheme 2023. Collection method: clinical testing. Allele origin: germline.
Comment: The p.C803Y variant (also known as c.2408G>A), located in coding exon 17 of the MSH3 gene, results from a G to A substitution at nucleotide position 2408. The cysteine at codon 803 is replaced by tyrosine, an amino acid with highly dissimilar properties. This amino acid position is conserved. In addition, this alteration is predicted to be deleterious by in silico analysis. Based on the available evidence, the clinical significance of this variant remains unclear.

NM_002439.5(MSH3):c.2408G>A (p.Cys803Tyr)

Gene: MSH3 (mutS homolog 3; plus strand). Cytogenetic location: 5q14.1.
Variant type: single nucleotide variant.
Coding change: c.2408G>A on transcript NM_002439.5 (MANE Select); coding-DNA position 2408, G replaced by A.
Protein change: p.Cys803Tyr; replaces cysteine 803 with tyrosine.
Molecular consequence: missense variant.
Genome position (GRCh38, 1-based): chr5:80,778,809, G>A. VCF-style: chr5-80778809-G-A. GRCh37 (hg19) VCF-style: chr5-80074628-G-A.
Other names: short protein forms C803Y.
Identifiers: ClinVar variation 3296277 (VCV003296277.1).